The following is an entry in ClinVar:

ClinVar aggregate classification (germline): Uncertain significance (1 of 4 stars; one submission).

Conditions:
Familial thoracic aortic aneurysm and aortic dissection (TAAD). Also called: Thoracic aortic aneurysms and dissections. Identifiers: Orphanet 91387, MedGen C4707243, MONDO:0019625.

Submission:

Color Diagnostics, LLC DBA Color Health
Classification: Uncertain significance for Familial thoracic aortic aneurysm and aortic dissection. Last evaluated: 2024-03-07. Review status: criteria provided, single submitter. Criteria: ACMG Guidelines, 2015. Collection method: clinical testing. Allele origin: germline.
Comment: This missense variant replaces serine with cysteine at codon 441 of the TGFBR2 protein. Computational prediction tool is inconclusive regarding the impact of this variant on protein structure and function (internally defined REVEL score threshold 0.5 < inconclusive < 0.7, PMID: 27666373). Splice site prediction tools suggest that this variant may not impact RNA splicing. To our knowledge, functional studies have not been performed for this variant. This variant has not been reported in individuals affected with cardiovascular disorders in the literature. This variant has not been identified in the general population by the Genome Aggregation Database (gnomAD). The available evidence is insufficient to determine the role of this variant in disease conclusively. Therefore, this variant is classified as a Variant of Uncertain Significance.

NM_003242.6(TGFBR2):c.1246A>T (p.Ser416Cys)

Gene: TGFBR2 (transforming growth factor beta receptor 2; plus strand). Cytogenetic location: 3p24.1.
Variant type: single nucleotide variant.
Coding change: c.1246A>T on transcript NM_003242.6 (MANE Select); coding-DNA position 1246, A replaced by T.
Protein change: p.Ser416Cys; replaces serine 416 with cysteine.
Molecular consequence: missense variant.
Genome position (GRCh38, 1-based): chr3:30,672,429, A>T. VCF-style: chr3-30672429-A-T. GRCh37 (hg19) VCF-style: chr3-30713921-A-T.
Other names: c.1321A>T, p.Ser441Cys (NM_001024847.3); c.1429A>T, p.Ser477Cys (NM_001407126.1); c.1354A>T, p.Ser452Cys (NM_001407127.1); c.1273A>T, p.Ser425Cys (NM_001407128.1); c.1249A>T, p.Ser417Cys (NM_001407129.1); c.1246A>T, p.Ser416Cys (NM_001407130.1); c.1141A>T, p.Ser381Cys (NM_001407132.1, NM_001407133.1, NM_001407134.1 and 2 more transcripts); c.961A>T, p.Ser321Cys (NM_001407137.1); and 1 more; short protein forms S416C, S441C, S417C, S477C, S321C, S381C, S452C, S296C.
Identifiers: ClinVar variation 919216 (VCV000919216.5), dbSNP rs1060501983, ClinGen allele CA351808838.